The following is an entry in ClinVar:

NM_001220.5(CAMK2B):c.396C>T (p.Val132=)

Gene: CAMK2B (calcium/calmodulin dependent protein kinase II beta; minus strand). Cytogenetic location: 7p13.
Variant type: single nucleotide variant.
Coding change: c.396C>T on transcript NM_001220.5 (MANE Select); coding-DNA position 396, C replaced by T.
Protein change: p.Val132=; no amino-acid change (valine 132 retained).
Molecular consequence: synonymous variant.
Genome position (GRCh38, 1-based): chr7:44,247,138, G>A on the plus strand (C>T on the coding strand, the complement: CAMK2B is on the minus strand). VCF-style: chr7-44247138-G-A. GRCh37 (hg19) VCF-style: chr7-44286737-G-A.
Other names: c.396C>T, p.Val132= (NM_001293170.2, NM_172078.3, NM_172079.3 and 5 more transcripts).
Identifiers: ClinVar variation 1674198 (VCV001674198.12), dbSNP rs1453789479, ClinGen allele CA454598012.

ClinVar aggregate classification (germline): Likely benign. Review status: criteria provided, multiple submitters, no conflicts (2 of 4 stars). 2 submissions from 2 submitters: Likely benign (2). Last evaluated 2026-04-01.

Allele frequency attached by ClinVar (database versions not stated): gnomAD 0.00002; TOPMed 0.00002.
gnomAD v4.1: 17 of 1,613,846 alleles (0.0011%); highest among the groups gnomAD compares: African/African-American, 0.004%; no homozygotes.

Submissions (2):

CeGaT Center for Human Genetics Tuebingen
Classification: Likely benign. Last evaluated: 2026-04-01. Review status: criteria provided, single submitter. Criteria: CeGaT Center For Human Genetics Tuebingen Variant Classification Criteria Version 2. Collection method: clinical testing. Allele origin: germline. Affected: yes. Observed: 2 variant alleles.
Comment: CAMK2B: BP4, BP7

Labcorp Genetics (formerly Invitae), Labcorp
Classification: Likely benign. Last evaluated: 2024-10-28. Review status: criteria provided, single submitter. Criteria: Invitae Variant Classification Sherloc (09022015). Collection method: clinical testing. Allele origin: germline.